The following is an entry in ClinVar:

NM_002691.4(POLD1):c.1180A>G (p.Thr394Ala)

Gene: POLD1 (DNA polymerase delta 1, catalytic subunit; plus strand). Cytogenetic location: 19q13.33.
Variant type: single nucleotide variant.
Coding change: c.1180A>G on transcript NM_002691.4 (MANE Select); coding-DNA position 1180, A replaced by G.
Protein change: p.Thr394Ala; replaces threonine 394 with alanine.
Molecular consequence: missense variant. On other transcripts: non-coding transcript variant (1).
Genome position (GRCh38, 1-based): chr19:50,403,535, A>G. VCF-style: chr19-50403535-A-G. GRCh37 (hg19) VCF-style: chr19-50906792-A-G.
Other names: c.1180A>G, p.Thr394Ala (NM_001256849.1, NM_001308632.1); c.1180A>G (NM_002691.2); short protein forms T394A.
Identifiers: ClinVar variation 3676311 (VCV003676311.3).

ClinVar aggregate classification (germline): Uncertain significance. Review status: criteria provided, multiple submitters, no conflicts (2 of 4 stars). 2 submissions from 2 submitters: Uncertain significance (2). Last evaluated 2025-07-28.

Conditions:
Hereditary cancer-predisposing syndrome. Also called: Neoplastic Syndromes, Hereditary; Tumor predisposition; Hereditary Cancer Syndrome; Hereditary neoplastic syndrome. Identifiers: Orphanet 140162, MedGen C0027672, MeSH D009386, MONDO:0015356.
POLD1-related polyposis and colorectal cancer syndrome (CRCS10). Also called: Colorectal cancer 10; COLORECTAL CANCER, SUSCEPTIBILITY TO, ON CHROMOSOME 19q; Colorectal cancer, susceptibility to, 10. Identifiers: Orphanet 220460, MedGen C2675481, MONDO:0012953, OMIM 612591.

gnomAD v4.1: 1 of 1,614,008 alleles (0.000062%); highest among the groups gnomAD compares: East Asian, 0.0022%; no homozygotes.

Submissions (2):

Ambry Genetics
Classification: Uncertain significance for Hereditary cancer-predisposing syndrome. Last evaluated: 2025-07-28. Review status: criteria provided, single submitter. Criteria: Ambry Variant Classification Scheme 2023. Collection method: clinical testing. Allele origin: germline.
Comment: The p.T394A variant (also known as c.1180A>G), located in coding exon 9 of the POLD1 gene, results from an A to G substitution at nucleotide position 1180. The threonine at codon 394 is replaced by alanine, an amino acid with similar properties. This amino acid position is highly conserved in available vertebrate species. In addition, this alteration is predicted to be tolerated by in silico analysis. Based on the available evidence, the clinical significance of this variant remains unclear.

Labcorp Genetics (formerly Invitae), Labcorp
Classification: Uncertain significance for POLD1-related polyposis and colorectal cancer syndrome. Last evaluated: 2024-04-30. Review status: criteria provided, single submitter. Criteria: Invitae Variant Classification Sherloc (09022015). Collection method: clinical testing. Allele origin: germline.
Comment: This sequence change replaces threonine, which is neutral and polar, with alanine, which is neutral and non-polar, at codon 394 of the POLD1 protein (p.Thr394Ala). This variant is not present in population databases (gnomAD no frequency). This variant has not been reported in the literature in individuals affected with POLD1-related conditions. Advanced modeling of protein sequence and biophysical properties (such as structural, functional, and spatial information, amino acid conservation, physicochemical variation, residue mobility, and thermodynamic stability) performed at Invitae indicates that this missense variant is expected to disrupt POLD1 protein function with a positive predictive value of 80%. In summary, the available evidence is currently insufficient to determine the role of this variant in disease. Therefore, it has been classified as a Variant of Uncertain Significance.